The following is an entry in ClinVar:

ClinVar aggregate classification (germline): Uncertain significance (1 of 4 stars; one submission).

Conditions:
Progressive myoclonic epilepsy. Also called: Familial progressive myoclonic epilepsy; Myoclonic Epilepsies, Progressive; Progressive myoclonus epilepsy; Myoclonus epilepsy. Identifiers: Orphanet 308, Orphanet 98261, MedGen C0751778, MONDO:0020074.

Allele frequency attached by ClinVar (database versions not stated): ExAC 0.00001; gnomAD exomes 0.00001.
gnomAD v4.1: 5 of 1,614,050 alleles (0.00031%); highest among the groups gnomAD compares: Non-Finnish European, 0.00025%; no homozygotes.

Submission:

Labcorp Genetics (formerly Invitae), Labcorp
Classification: Uncertain significance for Progressive myoclonic epilepsy. Last evaluated: 2022-06-22. Review status: criteria provided, single submitter. Criteria: Invitae Variant Classification Sherloc (09022015). Collection method: clinical testing. Allele origin: germline.
Comment: This variant has not been reported in the literature in individuals affected with GOSR2-related conditions. Algorithms developed to predict the effect of missense changes on protein structure and function (SIFT, PolyPhen-2, Align-GVGD) all suggest that this variant is likely to be tolerated. In summary, the available evidence is currently insufficient to determine the role of this variant in disease. Therefore, it has been classified as a Variant of Uncertain Significance. This variant is present in population databases (rs763844110, gnomAD 0.002%). This sequence change replaces leucine, which is neutral and non-polar, with proline, which is neutral and non-polar, at codon 199 of the GOSR2 protein (p.Leu199Pro).

NM_004287.5(GOSR2):c.596T>C (p.Leu199Pro)

Genes: LRRC37A2 (leucine rich repeat containing 37 member A2), GOSR2 (golgi SNAP receptor complex member 2; plus strand). Cytogenetic location: 17q21.32.
Variant type: single nucleotide variant.
Coding change: c.596T>C on transcript NM_004287.5 (MANE Select); coding-DNA position 596, T replaced by C.
Protein change: p.Leu199Pro; replaces leucine 199 with proline.
Molecular consequence: missense variant. On other transcripts: intron variant (3).
Genome position (GRCh38, 1-based): chr17:46,938,717, T>C. VCF-style: chr17-46938717-T-C. GRCh37 (hg19) VCF-style: chr17-45016083-T-C.
Other names: c.401T>C, p.Leu134Pro (NM_001321134.2); c.455T>C, p.Leu152Pro (NM_001330252.2); c.593T>C, p.Leu198Pro (NM_001353114.2); c.452T>C, p.Leu151Pro (NM_001353115.2); c.542T>C, p.Leu181Pro (NM_001363851.2); c.583+13T>C (NM_001321133.2, NM_054022.4); c.439+13T>C (NM_001353116.2); short protein forms L151P, L152P, L134P, L181P, L199P, L198P.
Identifiers: ClinVar variation 1975484 (VCV001975484.5), dbSNP rs763844110, ClinGen allele CA8621361.